The following is an entry in ClinVar:

ClinVar aggregate classification (germline): Uncertain significance. Review status: criteria provided, multiple submitters, no conflicts (2 of 4 stars). 2 submissions from 2 submitters: Uncertain significance (2). Last evaluated 2025-08-27.

Conditions:
Cardiovascular phenotype. Identifiers: MedGen CN230736.
Hypertrophic cardiomyopathy. Also called: HYPERTROPHIC MYOCARDIOPATHY. Identifiers: Orphanet 217569, MedGen C0007194, MeSH D002312, MONDO:0005045, HP:0001639.

Submissions (2):

Ambry Genetics
Classification: Uncertain significance for Cardiovascular phenotype. Last evaluated: 2025-08-27. Review status: criteria provided, single submitter. Criteria: Ambry Variant Classification Scheme 2023. Collection method: clinical testing. Allele origin: germline.
Comment: The p.G169V variant (also known as c.506G>T) is located in coding exon 5 of the MYBPC3 gene. The glycine at codon 169 is replaced by valine, an amino acid with dissimilar properties. This change occurs in the first base pair of coding exon 5. This variant was reported in individual(s) with features consistent with hypertrophic cardiomyopathy (HCM) (Singer ES et al. Circ Genom Precis Med, 2019 Jan;12:e002368). This amino acid position is highly conserved in available vertebrate species. In addition, this alteration is predicted to be deleterious by in silico analysis. Based on the available evidence, the clinical significance of this variant remains unclear.

Labcorp Genetics (formerly Invitae), Labcorp
Classification: Uncertain significance for Hypertrophic cardiomyopathy. Last evaluated: 2024-08-19. Review status: criteria provided, single submitter. Criteria: Invitae Variant Classification Sherloc (09022015). Collection method: clinical testing. Allele origin: germline.
Comment: This sequence change replaces glycine, which is neutral and non-polar, with valine, which is neutral and non-polar, at codon 169 of the MYBPC3 protein (p.Gly169Val). This variant is not present in population databases (gnomAD no frequency). This missense change has been observed in individual(s) with hypertrophic cardiomyopathy (PMID: 30645170, 35626289). An algorithm developed to predict the effect of missense changes on protein structure and function (PolyPhen-2) suggests that this variant is likely to be disruptive. In summary, the available evidence is currently insufficient to determine the role of this variant in disease. Therefore, it has been classified as a Variant of Uncertain Significance.

Literature cited by the submitters: PubMed 30645170 (cited by Ambry Genetics and Labcorp Genetics (formerly Invitae), Labcorp); PubMed 35626289 (cited by Labcorp Genetics (formerly Invitae), Labcorp).

NM_000256.3(MYBPC3):c.506G>T (p.Gly169Val)

Gene: MYBPC3 (myosin binding protein C3; minus strand). Cytogenetic location: 11p11.2.
Variant type: single nucleotide variant.
Coding change: c.506G>T on transcript NM_000256.3 (MANE Select); coding-DNA position 506, G replaced by T.
Protein change: p.Gly169Val; replaces glycine 169 with valine.
Molecular consequence: missense variant.
Genome position (GRCh38, 1-based): chr11:47,349,922, C>A on the plus strand (G>T on the coding strand, the complement: MYBPC3 is on the minus strand). VCF-style: chr11-47349922-C-A. GRCh37 (hg19) VCF-style: chr11-47371473-C-A.
Other names: short protein forms G169V.
Identifiers: ClinVar variation 2884035 (VCV002884035.4), dbSNP rs2495781069, ClinGen allele CA380338262.